The following is an entry in ClinVar:

NM_052867.4(NALCN):c.965T>C (p.Ile322Thr)

Gene: NALCN (sodium leak channel, non-selective; minus strand). Cytogenetic location: 13q33.1.
Variant type: single nucleotide variant.
Coding change: c.965T>C on transcript NM_052867.4 (MANE Select); coding-DNA position 965, T replaced by C.
Protein change: p.Ile322Thr; replaces isoleucine 322 with threonine.
Molecular consequence: missense variant.
Genome position (GRCh38, 1-based): chr13:101,292,072, A>G on the plus strand (T>C on the coding strand, the complement: NALCN is on the minus strand). VCF-style: chr13-101292072-A-G. GRCh37 (hg19) VCF-style: chr13-101944423-A-G.
Other names: c.965T>C, p.Ile322Thr (NM_001350748.2, NM_001350749.2, NM_001350750.2 and 1 more transcripts); short protein forms I322T.
Identifiers: ClinVar variation 375370 (VCV000375370.49), dbSNP rs1057519433, ClinGen allele CA16044232.

ClinVar aggregate classification (germline): Pathogenic/Likely pathogenic. Review status: criteria provided, multiple submitters, no conflicts (2 of 4 stars). 6 submissions from 6 submitters: Pathogenic (3); Likely pathogenic (2). 1 of the submissions does not count toward it. Last evaluated 2025-12-18.

Conditions:
Inborn genetic diseases. Identifiers: MedGen C0950123, MeSH D030342.
Congenital contractures of the limbs and face, hypotonia, and developmental delay (CLIFAHDD). Identifiers: Orphanet 562528, MedGen C4225398, MONDO:0014556, OMIM 616266.

Submissions (6):

Equipe Genetique des Anomalies du Developpement, Université de Bourgogne
Classification: Likely pathogenic for Congenital contractures of the limbs and face, hypotonia, and developmental delay. Last evaluated: 2025-12-18. Review status: criteria provided, single submitter. Criteria: ACMG Guidelines, 2015. Collection method: clinical testing. Allele origin: de novo. Affected: yes.

Victorian Clinical Genetics Services, Murdoch Childrens Research Institute
Classification: Pathogenic for Congenital contractures of the limbs and face, hypotonia, and developmental delay. Last evaluated: 2025-08-28. Review status: criteria provided, single submitter. Criteria: ACMG Guidelines, 2015. Collection method: clinical testing. Allele origin: germline. Affected: yes.
Comment: This variant is classified as Pathogenic. Evidence in support of pathogenic classification: Variant is absent from gnomAD (v2, v3 and v4); This variant has strong previous evidence of pathogenicity in unrelated individuals. This variant has been classified as pathogenic and likely pathogenic by clinical laboratories in ClinVar. It has also been reported in the literature multiple times as de novo in individuals with neurodevelopmental disorder, hypotonia, dysmorphic features, arthrogryposis and other NALCN-related features (PMIDs: 27473021, 35388452, 35468861, 28327206). - Variant is located in a hotspot region or cluster of PATHOGENIC variants (DECIPHER); Additional information: Variant is predicted to result in a missense amino acid change from Ile to Thr; This variant is heterozygous; This gene is associated with both recessive and dominant disease. The recessive condition is associated with both null variants and missense variants outside of the S5/S6 segments of the protein (PMID: 30167850), whereas the dominant condition is mostly associated with missense variants within the S5/S6 segments (PMID: 26763878); Loss of function is a known mechanism of disease in this gene and is associated with autosomal recessive hypotonia, infantile, with psychomotor retardation and characteristic facies 1 (MIM#615419). Dominant negative and gain of function are postulated mechanisms for autosomal dominant congenital contractures of the limbs and face, hypotonia, and developmental delay (MIM#616266) (PMID: 26763878).

GeneDx
Classification: Pathogenic. Last evaluated: 2024-11-15. Review status: criteria provided, single submitter. Criteria: GeneDx Variant Classification Process June 2021. Collection method: clinical testing. Allele origin: germline. Affected: yes.
Comment: Not observed at significant frequency in large population cohorts (gnomAD); In silico analysis indicates that this missense variant does not alter protein structure/function; This variant is associated with the following publications: (PMID: 29346770, 27473021, 35279228, 35388452)

Ambry Genetics
Classification: Likely pathogenic for Inborn genetic diseases. Last evaluated: 2022-02-08. Review status: criteria provided, single submitter. Criteria: Ambry Variant Classification Scheme 2023. Collection method: clinical testing. Allele origin: germline.
Comment: The c.965T>C (p.I322T) alteration is located in exon 9 (coding exon 8) of the NALCN gene. This alteration results from a T to C substitution at nucleotide position 965, causing the isoleucine (I) at amino acid position 322 to be replaced by a threonine (T). This variant was not reported in population-based cohorts in the Genome Aggregation Database (gnomAD). This alteration was reported de novo in a child with congenital arthrogryposis, global developmental delay, hypotonia, feeding difficulties, visual deficits, possible seizures, and dysmorphic features (Sivaraman, 2016). This alteration has also been identified in two patients reported to have a similar neurodevelopmental disorder (Ambry internal data). This amino acid position is highly conserved in available vertebrate species. This alteration is predicted to be deleterious by in silico analysis. Based on the available evidence, this alteration is classified as likely pathogenic.

CeGaT Center for Human Genetics Tuebingen
Classification: Pathogenic. Last evaluated: 2019-03-01. Review status: criteria provided, single submitter. Criteria: CeGaT Center For Human Genetics Tuebingen Variant Classification Criteria Version 2. Collection method: clinical testing. Allele origin: germline. Affected: yes. Observed: 3 variant alleles.

Lupski Lab, Baylor-Hopkins CMG, Baylor College of Medicine
Classification: Pathogenic for Congenital contractures of the limbs and face, hypotonia, and developmental delay. Review status: no assertion criteria provided. Collection method: research. Allele origin: de novo. Inheritance: Autosomal dominant inheritance. Affected: yes. Not counted in ClinVar's aggregate classification.

Literature cited by the submitters: PubMed 35388452 (cited by Victorian Clinical Genetics Services, Murdoch Childrens Research Institute); PubMed 30167850 (cited by Victorian Clinical Genetics Services, Murdoch Childrens Research Institute); PubMed 28327206 (cited by Victorian Clinical Genetics Services, Murdoch Childrens Research Institute and Ambry Genetics); PubMed 35468861 (cited by Victorian Clinical Genetics Services, Murdoch Childrens Research Institute); PubMed 26763878 (cited by Victorian Clinical Genetics Services, Murdoch Childrens Research Institute); PubMed 27473021 (cited by Victorian Clinical Genetics Services, Murdoch Childrens Research Institute and Ambry Genetics).